The following is an entry in ClinVar:

ClinVar aggregate classification (germline): Uncertain significance (1 of 4 stars; one submission).

Conditions:
Familial cancer of breast. Also called: hereditary breast carcinoma; Hereditary breast cancer; BREAST CANCER, FAMILIAL. Identifiers: Orphanet 227535, MedGen C0346153, MONDO:0016419, OMIM 114480. Disease mechanism: loss of function.

Submission:

Labcorp Genetics (formerly Invitae), Labcorp
Classification: Uncertain significance for Familial cancer of breast. Last evaluated: 2021-04-23. Review status: criteria provided, single submitter. Criteria: Invitae Variant Classification Sherloc (09022015). Collection method: clinical testing. Allele origin: germline.
Comment: In summary, the available evidence is currently insufficient to determine the role of this variant in disease. Therefore, it has been classified as a Variant of Uncertain Significance. Algorithms developed to predict the effect of missense changes on protein structure and function output the following: SIFT: "Tolerated"; PolyPhen-2: "Benign"; Align-GVGD: "Class C0". The arginine amino acid residue is found in multiple mammalian species, suggesting that this missense change does not adversely affect protein function. These predictions have not been confirmed by published functional studies and their clinical significance is uncertain. This variant has not been reported in the literature in individuals with BARD1-related conditions. This variant is not present in population databases (ExAC no frequency). This sequence change replaces serine with arginine at codon 159 of the BARD1 protein (p.Ser159Arg). The serine residue is moderately conserved and there is a moderate physicochemical difference between serine and arginine.

NM_000465.4(BARD1):c.475A>C (p.Ser159Arg)

Gene: BARD1 (BRCA1 associated RING domain 1; minus strand). Cytogenetic location: 2q35.
Variant type: single nucleotide variant.
Coding change: c.475A>C on transcript NM_000465.4 (MANE Select); coding-DNA position 475, A replaced by C.
Protein change: p.Ser159Arg; replaces serine 159 with arginine.
Molecular consequence: missense variant. On other transcripts: non-coding transcript variant (2), intron variant (3).
Genome position (GRCh38, 1-based): chr2:214,781,399, T>G on the plus strand (A>C on the coding strand, the complement: BARD1 is on the minus strand). VCF-style: chr2-214781399-T-G. GRCh37 (hg19) VCF-style: chr2-215646123-T-G.
Other names: c.418A>C, p.Ser140Arg (NM_001282543.2); c.158+28013A>C (NM_001282548.2); c.215+15662A>C (NM_001282545.2); c.364+10898A>C (NM_001282549.2); short protein forms S140R, S159R.
Identifiers: ClinVar variation 1399684 (VCV001399684.9), dbSNP rs2106112241, ClinGen allele CA350457577.